The following is an entry in ClinVar:

ClinVar aggregate classification (germline): Uncertain significance (1 of 4 stars; one submission).

Conditions:
Cardiovascular phenotype. Identifiers: MedGen CN230736.

Submission:

Molecular Diagnostic Laboratory for Inherited Cardiovascular Disease, Montreal Heart Institute
Classification: Uncertain significance for Cardiovascular phenotype. Last evaluated: 2026-09-21. Review status: criteria provided, single submitter. Criteria: ACMG Guidelines, 2015. Collection method: clinical testing. Allele origin: germline. Affected: yes.
Comment: PVS1_mod, PM3

NM_022773.4:c.(729+1_730-1)_(897+1_898-1)del

Gene: LMF1 (lipase maturation factor 1; minus strand).
Variant type: Deletion.
Other names: c.(729+1_730-1)_(897+1_898-1)del (NM_022773.4).
Identifiers: ClinVar variation 5037846 (VCV005037846.1).